The following is an entry in ClinVar:

NM_001346249.2(RALGAPA1):c.1449+1G>T

Gene: RALGAPA1 (Ral GTPase activating protein catalytic subunit alpha 1; minus strand). Cytogenetic location: 14q13.2.
Variant type: single nucleotide variant.
Coding change: c.1449+1G>T on transcript NM_001346249.2 (MANE Select); the canonical splice donor site of the intron after coding-DNA position 1449, G replaced by T.
Molecular consequence: splice donor variant.
Genome position (GRCh38, 1-based): chr14:35,742,367, C>A on the plus strand (G>T on the coding strand, the complement: RALGAPA1 is on the minus strand). VCF-style: chr14-35742367-C-A. GRCh37 (hg19) VCF-style: chr14-36211573-C-A.
Other names: c.1449+1G>T (NM_194301.4, NM_001346246.2, NM_014990.3 and 7 more transcripts).
Identifiers: ClinVar variation 2584515 (VCV002584515.1), dbSNP rs2141163058, ClinGen allele CA389500728.
Genomic context (GRCh38, chr14:35,742,367, plus strand): 5'-TTTCTGCAAAACTCTTAATCTATTAGACTAACACTAAAATATATAAATCTTATAACTTCA[C>A]CTCTTCTCTTTTTTCTCCTTCTTCCATTGAAATATCATGGTCTGTGACATTTTCAATGCA-3'

ClinVar aggregate classification (germline): Likely pathogenic (1 of 4 stars; one submission).

Conditions:
Neurodevelopmental disorder with hypotonia, neonatal respiratory insufficiency, and thermodysregulation. Identifiers: MedGen C5394091, MONDO:0032921, OMIM 618797.

Submission:

Rady Children's Institute for Genomic Medicine, Rady Children's Hospital San Diego
Classification: Likely pathogenic for Neurodevelopmental disorder with hypotonia, neonatal respiratory insufficiency, and thermodysregulation. Review status: criteria provided, single submitter. Criteria: ACMG Guidelines, 2015. Collection method: clinical testing. Allele origin: germline. Affected: yes.
Comment: This variant affects the canonical splice donor site of intron 11 and is therefore predicted to interfere with splicing and result in loss of normal protein function through either protein truncation or nonsense-mediated mRNA decay (NMD). This variant has not been previously reported or functionally characterized in the literature to our knowledge. Loss-of-function variants have been reported in the literature in association with disease (PMID: 32004447). The c.1449+1G>T variant is absent from the gnomAD population database and thus is presumed to be rare. Based on the available evidence, the c.1449+1G>T variant is classified as Likely Pathogenic.